The following is an entry in ClinVar:

ClinVar aggregate classification (germline): Uncertain significance (1 of 4 stars; one submission).

Conditions:
Leber optic atrophy (LHON). Also called: Leber's disease; Leber's optic atrophy; Leber hereditary optic neuropathy; Optic Atrophy, Hereditary, Leber. Identifiers: Orphanet 104, MedGen C0917796, MONDO:0010788, OMIM 535000, HP:0001112.
Mitochondrial DNA-Associated Leigh Syndrome and NARP. Identifiers: MedGen CN043634.
NARP syndrome. Also called: NEUROPATHY, ATAXIA, AND RETINITIS PIGMENTOSA; NARP. Identifiers: Orphanet 644, MedGen C1328349, MONDO:0010794, OMIM 551500.
Leigh syndrome (NULS). Also called: Leigh's syndrome; Subacute necrotizing encephalopathy; Necrotizing encephalopathy infantile subacute of Leigh; LEIGH SYNDROME, NUCLEAR; Leigh Disease; Leigh Syndrome (mtDNA deletion). Identifiers: Orphanet 506, MedGen C2931891, MONDO:0009723, OMIM 256000.

Submission:

Wong Mito Lab, Molecular and Human Genetics, Baylor College of Medicine
Classification: Uncertain significance for Leigh syndrome. Last evaluated: 2019-10-17. Review status: criteria provided, single submitter. Criteria: Modified ACMG Guidelines (Unpublished). Collection method: clinical testing. Allele origin: germline.
Comment: The NC_012920.1:m.8686T>C (YP_003024031.1:p.Ser54Pro) variant in MTATP6 gene is interpretated to be a Uncertain Significance variant based on the modified ACMG guidelines (unpublished). This variant meets the following evidence codes: BP4

NC_012920.1(MT-ATP6):m.8686T>C

Gene: MT-ATP6 (mitochondrially encoded ATP synthase 6; plus strand).
Variant type: single nucleotide variant.
Genome position: chrM-8686-T-C.
Identifiers: ClinVar variation 585120 (VCV000585120.3), dbSNP rs1569484231, ClinGen allele CA414797425.
Genomic context (GRCh38, chrMT:8,686, plus strand): 5'-TCCAAATATCTCATCAACAACCGACTAATCACCACCCAACAATGACTAATCAAACTAACC[T>C]CAAAACAAATGATAACCATACACAACACTAAAGGACGAACCTGATCTCTTATACTAGTAT-3'